The following is an entry in ClinVar:

NM_014669.5(NUP93):c.1718_1719dup (p.Val574fs)

Gene: NUP93 (nucleoporin 93; plus strand). Cytogenetic location: 16q13.
Variant type: Duplication.
Coding change: c.1718_1719dup on transcript NM_014669.5 (MANE Select); coding-DNA positions 1718 to 1719, 2 bases duplicated (TT; older notation c.1718_1719dupTT).
Protein change: p.Val574fs; shifts the reading frame from valine 574.
Molecular consequence: frameshift variant.
Genome position (GRCh38, 1-based): chr16:56,834,423-56,834,424, TT duplicated. VCF-style (leftmost placement, unchanged base first): chr16-56834422-C-CTT. GRCh37 (hg19) VCF-style: chr16-56868334-C-CTT.
Other names: c.1349_1350dup, p.Val451fs (NM_001242795.2, NM_001242796.2); short protein forms V451fs, V574fs.
Identifiers: ClinVar variation 1403825 (VCV001403825.6), dbSNP rs2144636587, ClinGen allele CA2573152442.

ClinVar aggregate classification (germline): Pathogenic (1 of 4 stars; one submission).

Submission:

Labcorp Genetics (formerly Invitae), Labcorp
Classification: Pathogenic. Last evaluated: 2021-07-29. Review status: criteria provided, single submitter. Criteria: Invitae Variant Classification Sherloc (09022015). Collection method: clinical testing. Allele origin: germline.
Comment: This variant has not been reported in the literature in individuals affected with NUP93-related conditions. For these reasons, this variant has been classified as Pathogenic. This variant is not present in population databases (ExAC no frequency). This sequence change creates a premature translational stop signal (p.Val574Leufs*2) in the NUP93 gene. It is expected to result in an absent or disrupted protein product. Loss-of-function variants in NUP93 are known to be pathogenic (PMID: 26878725, 31315584).

Literature cited by the submitters: PubMed 26878725; PubMed 31315584.